The following is an entry in ClinVar:

NM_203475.3(PORCN):c.503G>T (p.Gly168Val)

Gene: PORCN (porcupine O-acyltransferase; plus strand). Cytogenetic location: Xp11.23.
Variant type: single nucleotide variant.
Coding change: c.503G>T on transcript NM_203475.3 (MANE Select); coding-DNA position 503, G replaced by T.
Protein change: p.Gly168Val; replaces glycine 168 with valine.
Molecular consequence: missense variant. On other transcripts: non-coding transcript variant (2).
Genome position (GRCh38, 1-based): chrX:48,512,455, G>T. VCF-style: chrX-48512455-G-T. GRCh37 (hg19) VCF-style: chrX-48370843-G-T.
Other names: c.290G>T, p.Gly97Val (NM_001282167.2); c.842G>T, p.Gly281Val (NM_001441333.1, NM_001441334.1); c.608G>T, p.Gly203Val (NM_001441335.1); c.695G>T, p.Gly232Val (NM_001441336.1); c.503G>T, p.Gly168Val (NM_022825.4, NM_203473.3, NM_203474.1); short protein forms G168V, G232V, G281V, G97V, G203V.
Identifiers: ClinVar variation 4795912 (VCV004795912.1).
Genomic context (GRCh38, chrX:48,512,455, plus strand): 5'-CGGTGCCCTCGCCAGTGGAGTTCATGGGCTACCTCTACTTCGTGGGCACCATCGTCTTCG[G>T]GCCCTGGATATCCTTCCACAGCTACCTACAAGCTGTCCAAGGCCGCCCACTGGTGAGGTC-3'
Protein context (NP_982301.1, residues 158-178): YLYFVGTIVF[Gly168Val]PWISFHSYLQ

ClinVar aggregate classification (germline): Likely pathogenic (1 of 4 stars; one submission).

Conditions:
Focal dermal hypoplasia (FDH). Also called: Goltz syndrome. Identifiers: Orphanet 2092, MedGen C0016395, MONDO:0010592, OMIM 305600.

Submission:

Variantyx, Inc.
Classification: Likely pathogenic for Focal dermal hypoplasia. Last evaluated: 2025-12-12. Review status: criteria provided, single submitter. Criteria: Variantyx Assertion Criteria 2022. Collection method: clinical testing. Allele origin: maternal. Inheritance: X-linked dominant inheritance. Affected: yes.
Comment: This is a nonsynonymous variant in the PORCN gene (OMIM: 300651). Pathogenic variants in this gene have been associated with X-linked focal dermal hypoplasia. An alternate amino acid change at this position (p.Gly168Arg) has been reported in affected individuals; however, its pathogenicity has not been established. Multiple computational algorithms predict a deleterious effect for this variant (REVEL score: 0.946) (PP3). This variant is absent from control populations (PM2) and has not been reported in individuals with PORCN-related disorders in the databases available for review. The clinical symptoms reported for this individual are highly specific for X-linked focal dermal hypoplasia, which has a limited genetic etiology (PMID: 20301712) (PP4). Based on the current evidence, this variant is classified as likely pathogenic for X-linked focal dermal hypoplasia.

Literature cited by the submitters: PubMed 20301712.